The following is an entry in ClinVar:

ClinVar aggregate classification (germline): Uncertain significance (1 of 4 stars; one submission).

Allele frequency attached by ClinVar (database versions not stated): gnomAD 0.00001.
gnomAD v4.1: 1 of 1,611,520 alleles (0.000062%); highest among the groups gnomAD compares: Admixed American, 0.0017%; no homozygotes.

Submission:

Labcorp Genetics (formerly Invitae), Labcorp
Classification: Uncertain significance. Last evaluated: 2022-02-01. Review status: criteria provided, single submitter. Criteria: Invitae Variant Classification Sherloc (09022015). Collection method: clinical testing. Allele origin: germline.
Comment: This sequence change replaces phenylalanine, which is neutral and non-polar, with leucine, which is neutral and non-polar, at codon 207 of the LAMC3 protein (p.Phe207Leu). This variant is not present in population databases (gnomAD no frequency). This variant has not been reported in the literature in individuals affected with LAMC3-related conditions. Algorithms developed to predict the effect of missense changes on protein structure and function are either unavailable or do not agree on the potential impact of this missense change (SIFT: "Deleterious"; PolyPhen-2: "Probably Damaging"; Align-GVGD: "Class C15"). In summary, the available evidence is currently insufficient to determine the role of this variant in disease. Therefore, it has been classified as a Variant of Uncertain Significance.

NM_006059.4(LAMC3):c.619T>C (p.Phe207Leu)

Gene: LAMC3 (laminin subunit gamma 3; plus strand). Cytogenetic location: 9q34.12.
Variant type: single nucleotide variant.
Coding change: c.619T>C on transcript NM_006059.4 (MANE Select); coding-DNA position 619, T replaced by C.
Protein change: p.Phe207Leu; replaces phenylalanine 207 with leucine.
Molecular consequence: missense variant.
Genome position (GRCh38, 1-based): chr9:131,026,530, T>C. VCF-style: chr9-131026530-T-C. GRCh37 (hg19) VCF-style: chr9-133901917-T-C.
Other names: short protein forms F207L.
Identifiers: ClinVar variation 1899006 (VCV001899006.2), dbSNP rs1833720858, ClinGen allele CA375252868.